The following is an entry in ClinVar:

NM_005883.3(APC2):c.5833G>A (p.Ala1945Thr)

Genes: APC2 (APC regulator of WNT signaling pathway 2; plus strand), LOC130062956 (ATAC-STARR-seq lymphoblastoid silent region 9718; plus strand). Cytogenetic location: 19p13.3.
Variant type: single nucleotide variant.
Coding change: c.5833G>A on transcript NM_005883.3 (MANE Select); coding-DNA position 5833, G replaced by A.
Protein change: p.Ala1945Thr; replaces alanine 1945 with threonine.
Molecular consequence: missense variant.
Genome position (GRCh38, 1-based): chr19:1,469,134, G>A. VCF-style: chr19-1469134-G-A. GRCh37 (hg19) VCF-style: chr19-1469133-G-A.
Other names: c.5830G>A, p.Ala1944Thr (NM_001351273.1); short protein forms A1944T, A1945T.
Identifiers: ClinVar variation 3374901 (VCV003374901.1).
Genomic context (GRCh38, chr19:1,469,134, plus strand): 5'-AGATCGCCCGTGCGGATCCCGTTCATGCAGAGGCCGGCCCGGCGTGGGCCGCCACCGCTG[G>A]CTCGGGCAGTCCCGGAGCCGGGCCCCAGGGGCCGGGCGGGGACCGAGGCGGGCCCGGGGG-3'
Protein context (NP_005874.1, residues 1935-1955): RPARRGPPPL[Ala1945Thr]RAVPEPGPRG

ClinVar aggregate classification (germline): Uncertain significance (1 of 4 stars; one submission).

Submission:

Women's Health and Genetics/Laboratory Corporation of America, LabCorp
Classification: Uncertain significance. Last evaluated: 2024-09-11. Review status: criteria provided, single submitter. Criteria: LabCorp Variant Classification Summary - May 2015. Collection method: clinical testing. Allele origin: germline.
Comment: Variant summary: APC2 c.5833G>A (p.Ala1945Thr) results in a non-conservative amino acid change located in the Adenomatous polyposis coli protein basic domain (IPR009234) of the encoded protein sequence. Four of five in-silico tools predict a benign effect of the variant on protein function. The variant allele was found at a frequency of 0.0002 in 15066 control chromosomes (gnomAD). The available data on variant occurrences in the general population are insufficient to allow any conclusion about variant significance. To our knowledge, no occurrence of c.5833G>A in individuals affected with APC2-Related Disorders and no experimental evidence demonstrating its impact on protein function have been reported. No submitters have cited clinical-significance assessments for this variant to ClinVar. Based on the evidence outlined above, the variant was classified as uncertain significance.